The following is an entry in ClinVar:

NM_000059.4(BRCA2):c.6439C>T (p.His2147Tyr)

Gene: BRCA2 (BRCA2 DNA repair associated; plus strand). Cytogenetic location: 13q13.1.
Variant type: single nucleotide variant.
Coding change: c.6439C>T on transcript NM_000059.4 (MANE Select); coding-DNA position 6439, C replaced by T.
Protein change: p.His2147Tyr; replaces histidine 2147 with tyrosine.
Molecular consequence: missense variant.
Genome position (GRCh38, 1-based): chr13:32,340,794, C>T. VCF-style: chr13-32340794-C-T. GRCh37 (hg19) VCF-style: chr13-32914931-C-T.
Other names: short protein forms H2147Y.
Identifiers: ClinVar variation 141075 (VCV000141075.25), dbSNP rs587781476, ClinGen allele CA024036.

ClinVar aggregate classification (germline): Conflicting classifications of pathogenicity. Review status: criteria provided, conflicting classifications (1 of 4 stars). 7 submissions from 7 submitters: Uncertain significance (5); Likely benign (1). 1 of the submissions does not count toward it. Last evaluated 2025-06-15.

Conditions:
BRCA2-related cancer predisposition. Identifiers: MedGen CN377758, MONDO:0700269.
Hereditary cancer-predisposing syndrome. Also called: Neoplastic Syndromes, Hereditary; Tumor predisposition; Hereditary Cancer Syndrome; Hereditary neoplastic syndrome. Identifiers: Orphanet 140162, MedGen C0027672, MeSH D009386, MONDO:0015356.
Hereditary breast ovarian cancer syndrome. Also called: Breast and ovarian cancer; Hereditary breast and ovarian cancer; Hereditary breast and/or ovarian cancer syndrome; BRCA1- and BRCA2-Associated Hereditary Breast and Ovarian Cancer; Hereditary breast and ovarian cancer syndrome; Hereditary breast and ovarian cancer syndrome (HBOC). Identifiers: Orphanet 145, MedGen C0677776, MeSH D061325, MONDO:0003582. Disease mechanism: loss of function.

Allele frequency attached by ClinVar (database versions not stated): gnomAD exomes below 0.00001.
gnomAD v4.1: 1 of 1,594,210 alleles (0.000063%); highest among the groups gnomAD compares: Non-Finnish European, 0.000085%; no homozygotes.

Submissions (7):

Ambry Genetics
Classification: Uncertain significance for Hereditary cancer-predisposing syndrome. Last evaluated: 2025-06-15. Review status: criteria provided, single submitter. Criteria: Ambry Variant Classification Scheme 2023. Collection method: clinical testing. Allele origin: germline.
Comment: The p.H2147Y variant (also known as c.6439C>T), located in coding exon 10 of the BRCA2 gene, results from a C to T substitution at nucleotide position 6439. The histidine at codon 2147 is replaced by tyrosine, an amino acid with similar properties. This amino acid position is not well conserved in available vertebrate species. In addition, the in silico prediction for this alteration is inconclusive. Since supporting evidence is limited at this time, the clinical significance of this alteration remains unclear.

Labcorp Genetics (formerly Invitae), Labcorp
Classification: Uncertain significance for Hereditary breast ovarian cancer syndrome. Last evaluated: 2025-02-09. Review status: criteria provided, single submitter. Criteria: Invitae Variant Classification Sherloc (09022015). Collection method: clinical testing. Allele origin: germline.
Comment: This sequence change replaces histidine, which is basic and polar, with tyrosine, which is neutral and polar, at codon 2147 of the BRCA2 protein (p.His2147Tyr). This variant is not present in population databases (gnomAD no frequency). This missense change has been observed in individual(s) with renal cell carcinoma (PMID: 38127826). ClinVar contains an entry for this variant (Variation ID: 141075). Invitae Evidence Modeling of protein sequence and biophysical properties (such as structural, functional, and spatial information, amino acid conservation, physicochemical variation, residue mobility, and thermodynamic stability) indicates that this missense variant is not expected to disrupt BRCA2 protein function with a negative predictive value of 95%. In summary, the available evidence is currently insufficient to determine the role of this variant in disease. Therefore, it has been classified as a Variant of Uncertain Significance.

All of Us Research Program, National Institutes of Health
Classification: Uncertain significance for BRCA2-related cancer predisposition. Last evaluated: 2024-06-11. Review status: criteria provided, single submitter. Criteria: ACMG Guidelines, 2015. Collection method: clinical testing. Allele origin: germline. Inheritance: Autosomal dominant inheritance. Observed: 2 variant alleles, 2 heterozygotes.
Comment: This missense variant replaces histidine with tyrosine at codon 2147 of the BRCA2 protein. Computational prediction is inconclusive regarding the impact of this variant on protein structure and function (internally defined REVEL score threshold 0.5 < inconclusive < 0.7, PMID: 27666373). To our knowledge, functional studies have not been reported for this variant. This variant has not been reported in individuals affected with BRCA2-related disorders in the literature. This variant has not been identified in the general population by the Genome Aggregation Database (gnomAD). The available evidence is insufficient to determine the role of this variant in disease conclusively. Therefore, this variant is classified as a Variant of Uncertain Significance.

This study involves interpretation of variants in research participants for the purpose of population health screening. Participant phenotype was not available at the time of variant classification. Additional details can be found in publication PMID: 35346344, PMCID: PMC8962531

Color Diagnostics, LLC DBA Color Health
Classification: Uncertain significance for Hereditary cancer-predisposing syndrome. Last evaluated: 2023-09-20. Review status: criteria provided, single submitter. Criteria: ACMG Guidelines, 2015. Collection method: clinical testing. Allele origin: germline.
Comment: This missense variant replaces histidine with tyrosine at codon 2147 of the BRCA2 protein. Computational prediction is inconclusive regarding the impact of this variant on protein structure and function (internally defined REVEL score threshold 0.5 < inconclusive < 0.7, PMID: 27666373). To our knowledge, functional studies have not been reported for this variant. This variant has not been reported in individuals affected with BRCA2-related disorders in the literature. This variant has not been identified in the general population by the Genome Aggregation Database (gnomAD). The available evidence is insufficient to determine the role of this variant in disease conclusively. Therefore, this variant is classified as a Variant of Uncertain Significance.

University of Washington Department of Laboratory Medicine, University of Washington
Classification: Likely benign for Hereditary cancer-predisposing syndrome. Last evaluated: 2023-03-23. Review status: criteria provided, single submitter. Criteria: Dines et al. (Genet Med. 2020). Collection method: curation. Allele origin: germline.
Comment: Missense variant in a coldspot region where missense variants are very unlikely to be pathogenic (PMID:31911673).

BRCA2 exon 11 coldspot. Reclassification based on statistical prior probability.

GeneDx
Classification: Uncertain significance. Last evaluated: 2021-11-22. Review status: criteria provided, single submitter. Criteria: GeneDx Variant Classification Process June 2021. Collection method: clinical testing. Allele origin: germline. Affected: yes.
Comment: Has not been previously published as pathogenic or benign to our knowledge; Also known as 6667C>T; This variant is associated with the following publications: (PMID: 27150160)

True Health Diagnostics
Classification: Uncertain significance for Hereditary cancer-predisposing syndrome. Last evaluated: 2017-08-30. Review status: no assertion criteria provided. Collection method: clinical testing. Allele origin: germline. Not counted in ClinVar's aggregate classification.

Literature cited by the submitters: PubMed 38127826 (cited by Labcorp Genetics (formerly Invitae), Labcorp).